The following is an entry in ClinVar:

ClinVar aggregate classification (germline): Uncertain significance (1 of 4 stars; one submission).

Allele frequency attached by ClinVar (database versions not stated): TOPMed below 0.00001; gnomAD exomes 0.00001; ExAC 0.00002.
gnomAD v4.1: 1 of 1,583,148 alleles (0.000063%); highest among the groups gnomAD compares: African/African-American, 0.0013%; no homozygotes.

Submission:

GeneDx
Classification: Uncertain significance. Last evaluated: 2020-01-29. Review status: criteria provided, single submitter. Criteria: GeneDx Variant Classification Process June 2021. Collection method: clinical testing. Allele origin: germline. Affected: yes.
Comment: In silico analysis, which includes protein predictors and evolutionary conservation, supports that this variant does not alter protein structure/function; Has not been previously published as pathogenic or benign to our knowledge

NM_003482.4(KMT2D):c.12281C>G (p.Pro4094Arg)

Gene: KMT2D (lysine methyltransferase 2D; minus strand). Cytogenetic location: 12q13.12.
Variant type: single nucleotide variant.
Coding change: c.12281C>G on transcript NM_003482.4 (MANE Select); coding-DNA position 12281, C replaced by G.
Protein change: p.Pro4094Arg; replaces proline 4094 with arginine.
Molecular consequence: missense variant.
Genome position (GRCh38, 1-based): chr12:49,032,424, G>C on the plus strand (C>G on the coding strand, the complement: KMT2D is on the minus strand). VCF-style: chr12-49032424-G-C. GRCh37 (hg19) VCF-style: chr12-49426207-G-C.
Other names: short protein forms P4094R.
Identifiers: ClinVar variation 1314588 (VCV001314588.2), dbSNP rs755712137, ClinGen allele CA6546225.